The following is an entry in ClinVar:

NM_001114753.3(ENG):c.278del (p.Arg93fs)

Gene: ENG (endoglin; minus strand). Cytogenetic location: 9q34.11.
Variant type: Deletion.
Coding change: c.278del on transcript NM_001114753.3 (MANE Select); coding-DNA position 278, one base deleted (G; older notation c.278delG).
Protein change: p.Arg93fs; shifts the reading frame from arginine 93.
Molecular consequence: frameshift variant. On other transcripts: 5 prime UTR variant (1).
Genome position (GRCh38, 1-based): chr9:127,829,769, C deleted on the plus strand (G on the coding strand, the reverse complement: ENG is on the minus strand). VCF-style (leftmost placement, unchanged base first): chr9-127829768-TC-T. GRCh37 (hg19) VCF-style: chr9-130592047-TC-T.
Other names: c.278delG, p.Arg93Glnfs (NM_000118.4, NM_001406715.1); c.-269del (NM_001278138.2); short protein forms R93fs.
Identifiers: ClinVar variation 2090725 (VCV002090725.4), dbSNP rs2539083201, ClinGen allele CA2580079583.

ClinVar aggregate classification (germline): Pathogenic (1 of 4 stars; one submission).

Conditions:
Hereditary hemorrhagic telangiectasia (HHT). Also called: ORW DISEASE; Osler Weber Rendu syndrome; OSLER-RENDU-WEBER DISEASE; Osler hemorrhagic telangiectasia syndrome. Identifiers: Orphanet 774, MedGen C0039445, MONDO:0019180. Disease mechanism: loss of function.

Submission:

Labcorp Genetics (formerly Invitae), Labcorp
Classification: Pathogenic for Hereditary hemorrhagic telangiectasia. Last evaluated: 2022-07-05. Review status: criteria provided, single submitter. Criteria: Invitae Variant Classification Sherloc (09022015). Collection method: clinical testing. Allele origin: germline.
Comment: For these reasons, this variant has been classified as Pathogenic. This variant has not been reported in the literature in individuals affected with ENG-related conditions. This variant is not present in population databases (gnomAD no frequency). This sequence change creates a premature translational stop signal (p.Arg93Glnfs*9) in the ENG gene. It is expected to result in an absent or disrupted protein product. Loss-of-function variants in ENG are known to be pathogenic (PMID: 15879500).

Literature cited by the submitters: PubMed 15879500.